The following is an entry in ClinVar:

ClinVar aggregate classification (germline): Uncertain significance. Review status: criteria provided, single submitter (1 of 4 stars). 3 submissions from 3 submitters: Uncertain significance (1). 2 of the submissions do not count toward it. Last evaluated 2022-07-06.

Conditions:
GNPTG-mucolipidosis. Also called: Mucolipidosis type III gamma; ML III GAMMA; ML IIIC; MUCOLIPIDOSIS III, COMPLEMENTATION GROUP C; MUCOLIPIDOSIS III, IRANIAN VARIANT FORM; MUCOLIPIDOSIS III, VARIANT FORM. Identifiers: Orphanet 423470, Orphanet 577, MedGen C1854896, MONDO:0009652, OMIM 252605.

Allele frequency attached by ClinVar (database versions not stated): ExAC 0.00001; TOPMed 0.00001.
gnomAD v4.1: 3 of 1,614,008 alleles (0.00019%); highest among the groups gnomAD compares: Admixed American, 0.0033%; no homozygotes.

Submissions (3):

Labcorp Genetics (formerly Invitae), Labcorp
Classification: Uncertain significance. Last evaluated: 2022-07-06. Review status: criteria provided, single submitter. Criteria: Invitae Variant Classification Sherloc (09022015). Collection method: clinical testing. Allele origin: germline.
Comment: This sequence change creates a premature translational stop signal (p.Gln294*) in the GNPTG gene. While this is not anticipated to result in nonsense mediated decay, it is expected to disrupt the last 12 amino acid(s) of the GNPTG protein. This variant is present in population databases (rs780260521, gnomAD 0.006%). This variant has not been reported in the literature in individuals affected with GNPTG-related conditions. ClinVar contains an entry for this variant (Variation ID: 558269). Experimental studies and prediction algorithms are not available or were not evaluated, and the functional significance of this variant is currently unknown. In summary, the available evidence is currently insufficient to determine the role of this variant in disease. Therefore, it has been classified as a Variant of Uncertain Significance.

Natera, Inc.
Classification: Uncertain significance for Mucolipidosis III gamma. Last evaluated: 2021-06-21. Review status: no assertion criteria provided. Collection method: clinical testing. Allele origin: germline. Not counted in ClinVar's aggregate classification.

Counsyl
Classification: Uncertain significance for GNPTG-mucolipidosis. Last evaluated: 2018-05-11. Review status: no assertion criteria provided. Collection method: clinical testing. Allele origin: unknown. Not counted in ClinVar's aggregate classification.

NM_032520.5(GNPTG):c.880C>T (p.Gln294Ter)

Gene: GNPTG (N-acetylglucosamine-1-phosphate transferase subunit gamma; plus strand). Cytogenetic location: 16p13.3.
Variant type: single nucleotide variant.
Coding change: c.880C>T on transcript NM_032520.5 (MANE Select); coding-DNA position 880, C replaced by T.
Protein change: p.Gln294Ter; replaces glutamine 294 with a stop codon.
Molecular consequence: nonsense.
Genome position (GRCh38, 1-based): chr16:1,363,053, C>T. VCF-style: chr16-1363053-C-T. GRCh37 (hg19) VCF-style: chr16-1413054-C-T.
Other names: short protein forms Q294*.
Identifiers: ClinVar variation 558269 (VCV000558269.11), dbSNP rs780260521, ClinGen allele CA7808017.
Genomic context (GRCh38, chr16:1,363,053, plus strand): 5'-GCAGAAACTTCCAACTTGGAGCACTTGGGCCACGAGACGCCCAGAGCCAAGTCTCCAGAG[C>T]AGCTGCGGGGTGACCCAGGACTGCGTGGGAGTTTGTGACCTTGTGGTGGGAGAGCAGAGG-3'